The following is an entry in ClinVar:

ClinVar aggregate classification (germline): Conflicting classifications of pathogenicity. Review status: criteria provided, conflicting classifications (1 of 4 stars). 5 submissions from 5 submitters: Likely pathogenic (2); Uncertain significance (3). Last evaluated 2025-10-01.

Conditions:
DDC-related disorder. Also called: DDC-related condition.
Deficiency of aromatic-L-amino-acid decarboxylase. Also called: Aromatic L-Amino Acid Decarboxylase Deficiency; Aromatic amino acid decarboxylase deficiency; AADC DEFICIENCY; DDC DEFICIENCY; DOPA DECARBOXYLASE DEFICIENCY. Identifiers: Orphanet 35708, MedGen C1291564, MONDO:0012084, OMIM 608643.

Allele frequency attached by ClinVar (database versions not stated): gnomAD exomes below 0.00001; TOPMed below 0.00001; ExAC 0.00001; gnomAD 0.00002 and 0.00003; ESP Exome Variant Server 0.00008; 1000 Genomes Project 30x 0.00016; 1000 Genomes Project 0.00020.
gnomAD v4.1: 17 of 1,614,210 alleles (0.0011%); highest among the groups gnomAD compares: Non-Finnish European, 0.0014%; no homozygotes.

Submissions (5):

CeGaT Center for Human Genetics Tuebingen
Classification: Likely pathogenic. Last evaluated: 2025-10-01. Review status: criteria provided, single submitter. Criteria: CeGaT Center For Human Genetics Tuebingen Variant Classification Criteria Version 2. Collection method: clinical testing. Allele origin: germline. Affected: yes. Observed: 1 variant allele.
Comment: DDC: PM3:Strong, PM2, PP4, BP4

Labcorp Genetics (formerly Invitae), Labcorp
Classification: Uncertain significance for Deficiency of aromatic-L-amino-acid decarboxylase. Last evaluated: 2024-11-23. Review status: criteria provided, single submitter. Criteria: Invitae Variant Classification Sherloc (09022015). Collection method: clinical testing. Allele origin: germline.
Comment: This sequence change replaces alanine, which is neutral and non-polar, with valine, which is neutral and non-polar, at codon 159 of the DDC protein (p.Ala159Val). This variant is present in population databases (rs201828034, gnomAD 0.002%). This missense change has been observed in individual(s) with clinical features of aromatic L-amino acid decarboxylase deficiency (PMID: 36427457). ClinVar contains an entry for this variant (Variation ID: 800536). Invitae Evidence Modeling of protein sequence and biophysical properties (such as structural, functional, and spatial information, amino acid conservation, physicochemical variation, residue mobility, and thermodynamic stability) indicates that this missense variant is expected to disrupt DDC protein function with a positive predictive value of 80%. In summary, the available evidence is currently insufficient to determine the role of this variant in disease. Therefore, it has been classified as a Variant of Uncertain Significance.

Women's Health and Genetics/Laboratory Corporation of America, LabCorp
Classification: Uncertain significance. Last evaluated: 2024-10-02. Review status: criteria provided, single submitter. Criteria: LabCorp Variant Classification Summary - May 2015. Collection method: clinical testing. Allele origin: germline.
Comment: Variant summary: DDC c.476C>T (p.Ala159Val) results in a non-conservative amino acid change in the encoded protein sequence. Five of five in-silico tools predict a damaging effect of the variant on protein function. The variant allele was found at a frequency of 4e-06 in 251368 control chromosomes (gnomAD). c.476C>T has been reported in the literature in individuals affected with Deficiency Of Aromatic-L-Amino-Acid Decarboxylase or hyperkinetic movement disorders (Pearson_2020, Prez-Dueas_2022, Himmelreich_2023). These data indicate that the variant may be associated with disease. To our knowledge, no experimental evidence demonstrating an impact on protein function has been reported. The following publications have been ascertained in the context of this evaluation (PMID: 36427457, 37453860, 32369189, 36054588). ClinVar contains an entry for this variant (Variation ID: 800536). Based on the evidence outlined above, the variant was classified as VUS-possibly pathogenic.

Blueprint Genetics
Classification: Likely pathogenic for DDC-related disorders. Last evaluated: 2022-03-17. Review status: criteria provided, single submitter. Criteria: ACMG Guidelines, 2015. Collection method: clinical testing. Allele origin: germline. Affected: yes. Observed: 4 variant alleles.

Broad Center for Mendelian Genomics, Broad Institute of MIT and Harvard
Classification: Uncertain significance for Deficiency of aromatic-L-amino-acid decarboxylase. Last evaluated: 2018-11-15. Review status: criteria provided, single submitter. Criteria: ACMG Guidelines, 2015. Collection method: research. Allele origin: germline. Inheritance: Autosomal recessive inheritance. Affected: yes.
Comment: This variant has been identified in <0.01% (3/126638) of European (Non-Finnish) chromosomes by the Genome Aggregation Database (gnomAD; dbSNP rs201828034). Although this variant has been seen in the general population, its frequency is low enough to be consistent with a recessive carrier frequency. Computational prediction tools and conservation analyses do not provide strong support for or against an impact to the protein. In summary, the clinical significance of the p.Ala159Val variant is uncertain.

Literature cited by the submitters: PubMed 36427457 (cited by Labcorp Genetics (formerly Invitae), Labcorp and Women's Health and Genetics/Laboratory Corporation of America, LabCorp); PubMed 32369189 (cited by Women's Health and Genetics/Laboratory Corporation of America, LabCorp); PubMed 37453860 (cited by Women's Health and Genetics/Laboratory Corporation of America, LabCorp); PubMed 36054588 (cited by Women's Health and Genetics/Laboratory Corporation of America, LabCorp).

NM_001082971.2(DDC):c.476C>T (p.Ala159Val)

Gene: DDC (dopa decarboxylase; minus strand). Cytogenetic location: 7p12.1.
Variant type: single nucleotide variant.
Coding change: c.476C>T on transcript NM_001082971.2 (MANE Select); coding-DNA position 476, C replaced by T.
Protein change: p.Ala159Val; replaces alanine 159 with valine.
Molecular consequence: missense variant. On other transcripts: intron variant (1).
Genome position (GRCh38, 1-based): chr7:50,529,302, G>A on the plus strand (C>T on the coding strand, the complement: DDC is on the minus strand). VCF-style: chr7-50529302-G-A. GRCh37 (hg19) VCF-style: chr7-50597000-G-A.
Other names: c.476C>T, p.Ala159Val (NM_000790.4, NM_001242887.2, NM_001242890.2); c.362C>T, p.Ala121Val (NM_001242886.2); c.242C>T, p.Ala81Val (NM_001242888.2); c.435+8558C>T (NM_001242889.2); short protein forms A159V, A81V, A121V.
Identifiers: ClinVar variation 800536 (VCV000800536.11), dbSNP rs201828034, ClinGen allele CA4262355.
Genomic context (GRCh38, chr7:50,529,302, plus strand): 5'-ATAGCGGCCTGTGTGAGCTCTGGGGACGCTGCCTGCAGCCGATGGATCACTTTGGTCCGA[G>A]CGGCCAGCAGGGCCACCAGGGTGGCTTCACTGGCACTTCCCTAAATTCAAGAGAAGGTCC-3'
Protein context (NP_001076440.2, residues 149-169): SEATLVALLA[Ala159Val]RTKVIHRLQA